The following is an entry in ClinVar:

ClinVar aggregate classification (germline): Uncertain significance (1 of 4 stars; one submission).

Conditions:
Nemaline myopathy 2 (NEM2). Also called: Nemaline myopathy 2, autosomal recessive. Identifiers: MedGen C1850569, MONDO:0009725, OMIM 256030.

Allele frequency attached by ClinVar (database versions not stated): gnomAD exomes below 0.00001.
gnomAD v4.1: 2 of 1,599,686 alleles (0.00013%); highest among the groups gnomAD compares: Middle Eastern, 0.017%; no homozygotes.

Submission:

Labcorp Genetics (formerly Invitae), Labcorp
Classification: Uncertain significance for Nemaline myopathy 2. Last evaluated: 2022-07-12. Review status: criteria provided, single submitter. Criteria: Invitae Variant Classification Sherloc (09022015). Collection method: clinical testing. Allele origin: germline.
Comment: In summary, the available evidence is currently insufficient to determine the role of this variant in disease. Therefore, it has been classified as a Variant of Uncertain Significance. Algorithms developed to predict the effect of missense changes on protein structure and function are either unavailable or do not agree on the potential impact of this missense change (SIFT: "Deleterious"; PolyPhen-2: "Not Available"; Align-GVGD: "Class C0"). This variant has not been reported in the literature in individuals affected with NEB-related conditions. This variant is not present in population databases (gnomAD no frequency). This sequence change replaces serine, which is neutral and polar, with proline, which is neutral and non-polar, at codon 755 of the NEB protein (p.Ser755Pro).

NM_001164508.2(NEB):c.2263T>C (p.Ser755Pro)

Gene: NEB (nebulin; minus strand). Cytogenetic location: 2q23.3.
Variant type: single nucleotide variant.
Coding change: c.2263T>C on transcript NM_001164508.2 (MANE Select); coding-DNA position 2263, T replaced by C.
Protein change: p.Ser755Pro; replaces serine 755 with proline.
Molecular consequence: missense variant.
Genome position (GRCh38, 1-based): chr2:151,690,774, A>G on the plus strand (T>C on the coding strand, the complement: NEB is on the minus strand). VCF-style: chr2-151690774-A-G. GRCh37 (hg19) VCF-style: chr2-152547288-A-G.
Other names: c.2263T>C, p.Ser755Pro (NM_001164507.2, NM_001271208.2, NM_004543.5); short protein forms S755P.
Identifiers: ClinVar variation 1909958 (VCV001909958.5), dbSNP rs2552267415, ClinGen allele CA348823397.